The following is an entry in ClinVar:

NM_000138.5(FBN1):c.1459G>T (p.Glu487Ter)

Gene: FBN1 (fibrillin 1; minus strand). Cytogenetic location: 15q21.1.
Variant type: single nucleotide variant.
Coding change: c.1459G>T on transcript NM_000138.5 (MANE Select); coding-DNA position 1459, G replaced by T.
Protein change: p.Glu487Ter; replaces glutamic acid 487 with a stop codon.
Molecular consequence: nonsense.
Genome position (GRCh38, 1-based): chr15:48,515,396, C>A on the plus strand (G>T on the coding strand, the complement: FBN1 is on the minus strand). VCF-style: chr15-48515396-C-A. GRCh37 (hg19) VCF-style: chr15-48807593-C-A.
Other names: short protein forms E487*.
Identifiers: ClinVar variation 495556 (VCV000495556.9), dbSNP rs1555400374, ClinGen allele CA392343581.

ClinVar aggregate classification (germline): Pathogenic/Likely pathogenic. Review status: criteria provided, multiple submitters, no conflicts (2 of 4 stars). 2 submissions from 2 submitters: Pathogenic (1); Likely pathogenic (1). Last evaluated 2021-10-28.

Conditions:
Marfan Syndrome/Loeys-Dietz Syndrome/Familial Thoracic Aortic Aneurysms and Dissections. Identifiers: MedGen CN229799.

Submissions (2):

ARUP Laboratories, Molecular Genetics and Genomics, ARUP Laboratories
Classification: Pathogenic. Last evaluated: 2021-10-28. Review status: criteria provided, single submitter. Criteria: ARUP Molecular Germline Variant Investigation Process 2021. Collection method: clinical testing. Allele origin: germline.
Comment: The FBN1 c.1459G>T; p.Glu487Ter variant (rs1555400374), to our knowledge, is not reported in the medical literature but is reported in ClinVar (Variation ID: 495556). This variant is also absent from the Genome Aggregation Database, indicating it is not a common polymorphism. This variant induces an early termination codon and is predicted to result in a truncated protein or mRNA subject to nonsense-mediated decay. Additionally, several downstream truncating variants have been described in individuals with Marfan syndrome and are considered pathogenic (Takeda 2018). Based on available information, this variant is considered to be pathogenic. References: Takeda N et al. Impact of Pathogenic FBN1 Variant Types on the Progression of Aortic Disease in Patients With Marfan Syndrome. Circ Genom Precis Med. 2018 Jun;11(6):e002058. PMID: 29848614.

Women's Health and Genetics/Laboratory Corporation of America, LabCorp
Classification: Likely pathogenic for Marfan Syndrome/Loeys-Dietz Syndrome/Familial Thoracic Aortic Aneurysms and Dissections. Last evaluated: 2020-10-05. Review status: criteria provided, single submitter. Criteria: LabCorp Variant Classification Summary - May 2015. Collection method: clinical testing. Allele origin: germline.
Comment: Variant summary: FBN1 c.1459G>T (p.Glu487X) results in a premature termination codon, predicted to cause a truncation of the encoded protein or absence of the protein due to nonsense mediated decay, which are commonly known mechanisms for disease. The variant was absent in 251122 control chromosomes (gnomAD). To our knowledge, no occurrence of c.1459G>T in individuals affected with Marfan Syndrome and no experimental evidence demonstrating its impact on protein function have been reported. No clinical diagnostic laboratories have submitted clinical-significance assessments for this variant to ClinVar after 2014. Based on the evidence outlined above, the variant was classified as likely pathogenic.